The following is an entry in ClinVar:

NM_000219.6(KCNE1):c.377A>C (p.Lys126Thr)

Gene: KCNE1 (potassium voltage-gated channel subfamily E regulatory subunit 1; minus strand). Cytogenetic location: 21q22.12.
Variant type: single nucleotide variant.
Coding change: c.377A>C on transcript NM_000219.6 (MANE Select); coding-DNA position 377, A replaced by C.
Protein change: p.Lys126Thr; replaces lysine 126 with threonine.
Molecular consequence: missense variant.
Genome position (GRCh38, 1-based): chr21:34,449,258, T>G on the plus strand (A>C on the coding strand, the complement: KCNE1 is on the minus strand). VCF-style: chr21-34449258-T-G. GRCh37 (hg19) VCF-style: chr21-35821556-T-G.
Other names: c.377A>C, p.Lys126Thr (NM_001127668.4, NM_001127669.4, NM_001127670.4 and 4 more transcripts); short protein forms K126T.
Identifiers: ClinVar variation 3373860 (VCV003373860.2).

Conditions:
Long QT syndrome 5 (LQT5). Identifiers: Orphanet 101016, Orphanet 768, MedGen C1867904, MONDO:0013372, OMIM 613695.

Submission:

Roden Lab, Vanderbilt University Medical Center
No classification provided (evidence only). Condition: Long QT syndrome 5. Review status: no classification provided. Collection method: in vitro. Allele origin: not applicable. Functional consequence: Effect on ion channel function.
ClinVar note: "not provided" was previously submitted as the classification for the variant. However, the classification appeared to be based only on an observation of functional data so it was converted to no classification on 2025-07-30.